The following is an entry in ClinVar:

NM_000155.4(GALT):c.509T>C (p.Ile170Thr)

Gene: GALT (galactose-1-phosphate uridylyltransferase; plus strand). Cytogenetic location: 9p13.3.
Variant type: single nucleotide variant.
Coding change: c.509T>C on transcript NM_000155.4 (MANE Select); coding-DNA position 509, T replaced by C.
Protein change: p.Ile170Thr; replaces isoleucine 170 with threonine.
Molecular consequence: missense variant.
Genome position (GRCh38, 1-based): chr9:34,648,116, T>C. VCF-style: chr9-34648116-T-C. GRCh37 (hg19) VCF-style: chr9-34648113-T-C.
Other names: c.182T>C, p.Ile61Thr (NM_001258332.2); c.509T>C (NM_000155.3); short protein forms I61T.
Identifiers: ClinVar variation 3720878 (VCV003720878.3), dbSNP rs111033839.

ClinVar aggregate classification (germline): Conflicting classifications of pathogenicity. Review status: criteria provided, conflicting classifications (1 of 4 stars). 2 submissions from 2 submitters: Likely pathogenic (1); Uncertain significance (1). Last evaluated 2025-12-30.

Conditions:
Galactosemia. Also called: Galactose intolerance. Identifiers: Orphanet 352, MedGen C0016952, MONDO:0018116, HP:0004919. Disease mechanism: loss of function.
Deficiency of UDPglucose-hexose-1-phosphate uridylyltransferase. Also called: GALACTOSE-1-PHOSPHATE URIDYLYLTRANSFERASE DEFICIENCY; GALT deficiency; Galactosemia, classic; Transferase Deficiency Galactosemia; GALACTOSEMIA I. Identifiers: Orphanet 352, Orphanet 79239, MedGen C0268151, MONDO:0009258, OMIM 230400.

gnomAD v4.1: 1 of 1,614,188 alleles (0.000062%); highest among the groups gnomAD compares: Non-Finnish European, 0.000085%; no homozygotes.

Submissions (2):

Natera, Inc.
Classification: Likely pathogenic for Galactosemia. Last evaluated: 2025-12-30. Review status: criteria provided, single submitter. Criteria: Natera Variant Classification Schema (03/2026). Collection method: clinical testing. Allele origin: germline.
Comment: The c.509T>C variant in GALT is a missense variant predicted to cause substitution of isoleucine to threonine at amino acid 170. This variant is rare in the general population with a frequency below the threshold expected for the associated phenotype(s). This variant has been observed in one or more individuals affected with the associated recessive disease, as either homozygous or compound heterozygous with a second variant (PMID: 41083167, 22461411). Additionally, this variant has been observed to segregate in affected family members (PMID: 22461411). Computational prediction algorithms indicate this variant is likely to affect gene or protein function. Given the available evidence, this variant is classified as Likely Pathogenic.

Labcorp Genetics (formerly Invitae), Labcorp
Classification: Uncertain significance for Deficiency of UDPglucose-hexose-1-phosphate uridylyltransferase. Last evaluated: 2024-10-21. Review status: criteria provided, single submitter. Criteria: Invitae Variant Classification Sherloc (09022015). Collection method: clinical testing. Allele origin: germline.
Comment: This sequence change replaces isoleucine, which is neutral and non-polar, with threonine, which is neutral and polar, at codon 170 of the GALT protein (p.Ile170Thr). This variant is not present in population databases (gnomAD no frequency). This missense change has been observed in individual(s) with autosomal recessive galactose-1-phosphate uridylyltransferase deficiency (PMID: 22461411). An algorithm developed to predict the effect of missense changes on protein structure and function (PolyPhen-2) suggests that this variant is likely to be disruptive. Experimental studies have shown that this missense change affects GALT function (PMID: 22461411). This variant disrupts the p.Ile170 amino acid residue in GALT. Other variant(s) that disrupt this residue have been observed in individuals with GALT-related conditions (PMID: 19375122), which suggests that this may be a clinically significant amino acid residue. In summary, the available evidence is currently insufficient to determine the role of this variant in disease. Therefore, it has been classified as a Variant of Uncertain Significance.

Literature cited by the submitters: PubMed 41083167 (cited by Natera, Inc.); PubMed 22461411 (cited by Natera, Inc. and Labcorp Genetics (formerly Invitae), Labcorp); PubMed 19375122 (cited by Labcorp Genetics (formerly Invitae), Labcorp).